The following is an entry in ClinVar:

NM_007294.4(BRCA1):c.4088C>G (p.Ser1363Ter)

Genes: BRCA1 (BRCA1 DNA repair associated; minus strand), LOC126862571 (BRD4-independent group 4 enhancer GRCh37_chr17:41243136-41244335; plus strand). Cytogenetic location: 17q21.31.
Variant type: single nucleotide variant.
Coding change: c.4088C>G on transcript NM_007294.4 (MANE Select); coding-DNA position 4088, C replaced by G.
Protein change: p.Ser1363Ter; replaces serine 1363 with a stop codon.
Molecular consequence: nonsense. On other transcripts: intron variant (135).
Genome position (GRCh38, 1-based): chr17:43,091,443, G>C on the plus strand (C>G on the coding strand, the complement: BRCA1 is on the minus strand). VCF-style: chr17-43091443-G-C. GRCh37 (hg19) VCF-style: chr17-41243460-G-C.
Other names: p.Ser1363*; c.3884C>G, p.Ser1295Ter (NM_001407874.1, NM_001407875.1); c.3878C>G, p.Ser1293Ter (NM_001407879.1, NM_001407881.1, NM_001407882.1 and 13 more transcripts); c.3875C>G, p.Ser1292Ter (NM_001407894.1, NM_001407895.1, NM_001407896.1 and 9 more transcripts); c.3965C>G, p.Ser1322Ter (NM_001407919.1, NM_001407937.1, NM_001407938.1 and 19 more transcripts); c.3824C>G, p.Ser1275Ter (NM_001407920.1, NM_001407921.1, NM_001407922.1 and 9 more transcripts); c.3821C>G, p.Ser1274Ter (NM_001407930.1, NM_001407931.1, NM_001407932.1 and 2 more transcripts); c.3962C>G, p.Ser1321Ter (NM_001407940.1, NM_001407941.1, NM_001407649.1 and 11 more transcripts); and 42 more; short protein forms S1363*, S1316*, S1252*, S1292*, S1322*, S1362*, S1195*, S1235*.
Identifiers: ClinVar variation 254452 (VCV000254452.21), dbSNP rs398122680, ClinGen allele CA10586612.

ClinVar aggregate classification (germline): Pathogenic. Review status: reviewed by expert panel (3 of 4 stars). 8 submissions from 8 submitters: Pathogenic (1). 7 of the submissions do not count toward it. Last evaluated 2016-09-08.

Conditions:
Hereditary cancer-predisposing syndrome. Also called: Hereditary Cancer Syndrome; Neoplastic Syndromes, Hereditary; Hereditary neoplastic syndrome; Tumor predisposition. Identifiers: Orphanet 140162, MedGen C0027672, MeSH D009386, MONDO:0015356.
Hereditary breast ovarian cancer syndrome. Also called: Hereditary breast and ovarian cancer syndrome (HBOC); Breast and ovarian cancer; Hereditary breast and ovarian cancer syndrome; Hereditary breast and ovarian cancer; BRCA1- and BRCA2-Associated Hereditary Breast and Ovarian Cancer; Hereditary breast and/or ovarian cancer syndrome. Identifiers: Orphanet 145, MedGen C0677776, MeSH D061325, MONDO:0003582. Disease mechanism: loss of function.
Breast-ovarian cancer, familial, susceptibility to, 1 (BROVCA1). Also called: BRCA1 Hereditary Breast and Ovarian Cancer; OVARIAN CANCER, SUSCEPTIBILITY TO. Identifiers: Orphanet 145, MedGen C2676676, MONDO:0011450, OMIM 604370. Disease mechanism: loss of function.

gnomAD v4.1: 1 of 1,613,886 alleles (0.000062%); highest among the groups gnomAD compares: African/African-American, 0.0013%; no homozygotes.

Submissions (8):

Evidence-based Network for the Interpretation of Germline Mutant Alleles (ENIGMA)
Classification: Pathogenic for Breast-ovarian cancer, familial, susceptibility to, 1. Last evaluated: 2016-09-08. Review status: reviewed by expert panel. Criteria: ENIGMA BRCA1/2 Classification Criteria (2015). Collection method: curation. Allele origin: germline.
Comment: Variant allele predicted to encode a truncated non-functional protein.

Center for Genomic Medicine, Rigshospitalet, Copenhagen University Hospital
Classification: Pathogenic. Last evaluated: 2025-03-04. Review status: criteria provided, single submitter. Criteria: ACMG Guidelines, 2015. Collection method: clinical testing. Allele origin: germline. Not counted in ClinVar's aggregate classification.

Labcorp Genetics (formerly Invitae), Labcorp
Classification: Pathogenic for Hereditary breast ovarian cancer syndrome. Last evaluated: 2024-09-17. Review status: criteria provided, single submitter. Criteria: Invitae Variant Classification Sherloc (09022015). Collection method: clinical testing. Allele origin: germline. Not counted in ClinVar's aggregate classification.
Comment: This sequence change creates a premature translational stop signal (p.Ser1363*) in the BRCA1 gene. It is expected to result in an absent or disrupted protein product. Loss-of-function variants in BRCA1 are known to be pathogenic (PMID: 20104584). This variant is present in population databases (no rsID available, gnomAD 0.007%). This premature translational stop signal has been observed in individual(s) with clinical features of hereditary breast and ovarian cancer syndrome (PMID: 29446198). ClinVar contains an entry for this variant (Variation ID: 254452). For these reasons, this variant has been classified as Pathogenic.

Ambry Genetics
Classification: Pathogenic for Hereditary cancer-predisposing syndrome. Last evaluated: 2023-11-02. Review status: criteria provided, single submitter. Criteria: Ambry Variant Classification Scheme 2023. Collection method: clinical testing. Allele origin: germline. Not counted in ClinVar's aggregate classification.
Comment: The p.S1363* pathogenic mutation (also known as c.4088C>G), located in coding exon 9 of the BRCA1 gene, results from a C to G substitution at nucleotide position 4088. This changes the amino acid from a serine to a stop codon within coding exon 9. This alteration is expected to result in loss of function by premature protein truncation or nonsense-mediated mRNA decay. As such, this alteration is interpreted as a disease-causing mutation.

Mayo Clinic Laboratories, Mayo Clinic
Classification: Pathogenic. Last evaluated: 2022-10-20. Review status: criteria provided, single submitter. Criteria: ACMG Guidelines, 2015. Collection method: clinical testing. Allele origin: germline. Observed: 1 variant allele. Not counted in ClinVar's aggregate classification.
Comment: PP5, PM2, PVS1

GeneDx
Classification: Pathogenic. Last evaluated: 2018-08-07. Review status: criteria provided, single submitter. Criteria: GeneDx Variant Classification (06012015). Collection method: clinical testing. Allele origin: germline. Affected: yes. Not counted in ClinVar's aggregate classification.
Comment: This variant is denoted BRCA1 c.4088C>G at the cDNA level and p.Ser1363Ter (S1363X) at the protein level. The substitution creates a nonsense variant, which changes a Serine to a premature stop codon (TCA>TGA), and is predicted to cause loss of normal protein function through either protein truncation or nonsense-mediated mRNA decay. This variant has been observed in at least two patients undergoing genetic testing for hereditary breast and/or ovarian cancer (Caux-Moncoutier 2009, Michils 2012) and is considered pathogenic.

Quest Diagnostics Nichols Institute San Juan Capistrano
Classification: Pathogenic. Last evaluated: 2018-04-13. Review status: criteria provided, single submitter. Criteria: Quest Diagnostics criteria. Collection method: clinical testing. Allele origin: germline. Not counted in ClinVar's aggregate classification.

Consortium of Investigators of Modifiers of BRCA1/2 (CIMBA), c/o University of Cambridge
Classification: Pathogenic for Breast-ovarian cancer, familial, susceptibility to, 1. Last evaluated: 2015-10-02. Review status: criteria provided, single submitter. Criteria: CIMBA Mutation Classification guidelines May 2016. Collection method: clinical testing. Allele origin: germline. Not counted in ClinVar's aggregate classification.

Literature cited by the submitters: PubMed 20104584 (cited by Labcorp Genetics (formerly Invitae), Labcorp); PubMed 29446198 (cited by Labcorp Genetics (formerly Invitae), Labcorp and Mayo Clinic Laboratories, Mayo Clinic); PubMed 34717758 (cited by Mayo Clinic Laboratories, Mayo Clinic).